The following is an entry in ClinVar:

ClinVar aggregate classification (germline): Likely pathogenic (1 of 4 stars; one submission).

Conditions:
Dilated cardiomyopathy 1G (CMD1G). Identifiers: Orphanet 154, MedGen C1858763, MONDO:0011400, OMIM 604145.
Autosomal recessive limb-girdle muscular dystrophy type 2J (LGMDR10). Also called: MUSCULAR DYSTROPHY, LIMB-GIRDLE, AUTOSOMAL RECESSIVE 10; Limb-girdle muscular dystrophy, type 2J. Identifiers: Orphanet 140922, MedGen C1837342, MONDO:0012127, OMIM 608807.

Submission:

Labcorp Genetics (formerly Invitae), Labcorp
Classification: Likely pathogenic for Dilated cardiomyopathy 1G; Autosomal recessive limb-girdle muscular dystrophy type 2J. Last evaluated: 2025-10-29. Review status: criteria provided, single submitter. Criteria: Invitae Variant Classification Sherloc (09022015). Collection method: clinical testing. Allele origin: germline.
Comment: This sequence change creates a premature translational stop signal (p.Tyr1239*) in the TTN gene. While this is not anticipated to result in nonsense mediated decay, it is expected to create a truncated TTN protein. This variant is not present in population databases (gnomAD no frequency). This variant has not been observed in the literature in individuals with autosomal recessive TTN-related conditions. This variant has been reported in individual(s) with dilated cardiomyopathy (internal data); however, the role of the variant in this condition is currently unclear. ClinVar contains an entry for this variant (Variation ID: 2943181). This variant is located in the Z band of TTN (PMID: 25589632). Truncating variants in this region have been reported in individuals affected with autosomal recessive centronuclear myopathy (PMID: 33449170, internal data). Truncating variants in this region have also been identified in individuals affected with autosomal dominant dilated cardiomyopathy and/or cardio-related conditions (PMID: 27869827, 32964742, internal data). In summary, the currently available evidence indicates that the variant is pathogenic, but additional data are needed to prove that conclusively. Therefore, this variant has been classified as Likely Pathogenic.

Literature cited by the submitters: PubMed 25589632; PubMed 33449170; PubMed 27869827; PubMed 32964742.

NM_001267550.2(TTN):c.3717T>G (p.Tyr1239Ter)

Gene: TTN (titin; minus strand). Cytogenetic location: 2q31.2.
Variant type: single nucleotide variant.
Coding change: c.3717T>G on transcript NM_001267550.2 (MANE Select); coding-DNA position 3717, T replaced by G.
Protein change: p.Tyr1239Ter; replaces tyrosine 1239 with a stop codon.
Molecular consequence: nonsense.
Genome position (GRCh38, 1-based): chr2:178,780,012, A>C on the plus strand (T>G on the coding strand, the complement: TTN is on the minus strand). VCF-style: chr2-178780012-A-C. GRCh37 (hg19) VCF-style: chr2-179644739-A-C.
Other names: c.3717T>G, p.Tyr1239Ter (NM_001256850.1, NM_133378.4, NM_133379.5); c.3579T>G, p.Tyr1193Ter (NM_003319.4, NM_133432.3, NM_133437.4); short protein forms Y1239*, Y1193*.
Identifiers: ClinVar variation 2943181 (VCV002943181.3), dbSNP rs778331308, ClinGen allele CA349481865.